The following is an entry in ClinVar:

ClinVar aggregate classification (germline): Conflicting classifications of pathogenicity. Review status: criteria provided, conflicting classifications (1 of 4 stars). 5 submissions from 5 submitters: Uncertain significance (3); Likely benign (1). 1 of the submissions does not count toward it. Last evaluated 2026-02-02.

Conditions:
Asphyxiating thoracic dystrophy 3. Also called: SHORT-RIB THORACIC DYSPLASIA 3 WITH OR WITHOUT POLYDACTYLY; POLYDACTYLY WITH NEONATAL CHONDRODYSTROPHY, TYPE I; SHORT-RIB THORACIC DYSPLASIA 3/6 WITH POLYDACTYLY, DIGENIC; Short rib polydactyly syndrome 2B; Saldino-Noonan Syndrome. Identifiers: Orphanet 474, Orphanet 93269, Orphanet 93270, Orphanet 93271, MedGen C0036069, MONDO:0013127, OMIM 613091.
Jeune thoracic dystrophy. Also called: Short-rib thoracic dysplasia; Jeune syndrome; Infantile thoracic dystrophy; Thoracic pelvic phalangeal dystrophy; Jeune's syndrome; Chondroectodermal dysplasia-like syndrome. Identifiers: Orphanet 474, MedGen C0265275, MONDO:0018770.
DYNC2H1-related disorder. Also called: DYNC2H1-related disorders; DYNC2H1-related condition. Identifiers: MedGen CN378770.
Inborn genetic diseases. Identifiers: MedGen C0950123, MeSH D030342.

Allele frequency attached by ClinVar (database versions not stated): TOPMed 0.00022; ExAC 0.00035; gnomAD exomes 0.00018 and 0.00021; gnomAD 0.00019 and 0.00016.
gnomAD v4.1: 295 of 1,565,296 alleles (0.019%); highest among the groups gnomAD compares: Admixed American, 0.036%; 1 homozygote.

Submissions (5):

Labcorp Genetics (formerly Invitae), Labcorp
Classification: Likely benign for Jeune thoracic dystrophy. Last evaluated: 2026-02-02. Review status: criteria provided, single submitter. Criteria: Invitae Variant Classification Sherloc (09022015). Collection method: clinical testing. Allele origin: germline.

Ambry Genetics
Classification: Uncertain significance for Inborn genetic diseases. Last evaluated: 2021-08-02. Review status: criteria provided, single submitter. Criteria: Ambry Variant Classification Scheme 2023. Collection method: clinical testing. Allele origin: germline.

ARUP Laboratories, Molecular Genetics and Genomics, ARUP Laboratories
Classification: Uncertain significance for Asphyxiating thoracic dystrophy 3. Last evaluated: 2020-04-13. Review status: criteria provided, single submitter. Criteria: ARUP Molecular Germline Variant Investigation Process. Collection method: clinical testing. Allele origin: germline.

Illumina Laboratory Services, Illumina
Classification: Uncertain significance for Asphyxiating thoracic dystrophy 3. Last evaluated: 2018-01-12. Review status: criteria provided, single submitter. Criteria: ICSL Variant Classification Criteria 13 December 2019. Collection method: clinical testing. Allele origin: germline.

PreventionGenetics, part of Exact Sciences
Classification: Uncertain significance for DYNC2H1-related condition. Last evaluated: 2024-01-31. Review status: no assertion criteria provided. Collection method: clinical testing. Allele origin: germline. Not counted in ClinVar's aggregate classification.
Comment: The DYNC2H1 c.2935C>T variant is predicted to result in the amino acid substitution p.Arg979Trp. To our knowledge, this variant has not been reported in the literature. This variant is reported in 0.034% of alleles in individuals of South Asian descent in gnomAD. At this time, the clinical significance of this variant is uncertain due to the absence of conclusive functional and genetic evidence.

NM_001377.3(DYNC2H1):c.2935C>T (p.Arg979Trp)

Gene: DYNC2H1 (dynein cytoplasmic 2 heavy chain 1; plus strand). Cytogenetic location: 11q22.3.
Variant type: single nucleotide variant.
Coding change: c.2935C>T on transcript NM_001377.3 (MANE Select); coding-DNA position 2935, C replaced by T.
Protein change: p.Arg979Trp; replaces arginine 979 with tryptophan.
Molecular consequence: missense variant.
Genome position (GRCh38, 1-based): chr11:103,148,606, C>T. VCF-style: chr11-103148606-C-T. GRCh37 (hg19) VCF-style: chr11-103019335-C-T.
Other names: c.2935C>T, p.Arg979Trp (NM_001080463.2); short protein forms R979W.
Identifiers: ClinVar variation 877838 (VCV000877838.22), dbSNP rs772439717, ClinGen allele CA6253194.